The following is an entry in ClinVar:

NM_000101.4(CYBA):c.394A>G (p.Thr132Ala)

Gene: CYBA (cytochrome b-245 alpha chain; minus strand). Cytogenetic location: 16q24.2.
Variant type: single nucleotide variant.
Coding change: c.394A>G on transcript NM_000101.4 (MANE Select); coding-DNA position 394, A replaced by G.
Protein change: p.Thr132Ala; replaces threonine 132 with alanine.
Molecular consequence: missense variant.
Genome position (GRCh38, 1-based): chr16:88,643,547, T>C on the plus strand (A>G on the coding strand, the complement: CYBA is on the minus strand). VCF-style: chr16-88643547-T-C. GRCh37 (hg19) VCF-style: chr16-88709955-T-C.
Other names: short protein forms T132A.
Identifiers: ClinVar variation 4738047 (VCV004738047.1).

ClinVar aggregate classification (germline): Uncertain significance (1 of 4 stars; one submission).

Conditions:
Granulomatous disease, chronic, autosomal recessive, cytochrome b-negative. Also called: CGD DUE TO DEFICIENCY OF THE ALPHA SUBUNIT OF CYTOCHROME b; CGD, AUTOSOMAL RECESSIVE CYTOCHROME b-NEGATIVE; CYBA DEFICIENCY; Chronic granulomatous disease, autosomal, due to deficiency of CYBA; GRANULOMATOUS DISEASE, CHRONIC, AUTOSOMAL RECESSIVE, 4. Identifiers: Orphanet 379, MedGen C1856255, MONDO:0009308, OMIM 233690.

gnomAD v4.1: 4 of 1,534,126 alleles (0.00026%); highest among the groups gnomAD compares: Middle Eastern, 0.023%; no homozygotes.

Submission:

Labcorp Genetics (formerly Invitae), Labcorp
Classification: Uncertain significance for Granulomatous disease, chronic, autosomal recessive, cytochrome b-negative. Last evaluated: 2025-02-18. Review status: criteria provided, single submitter. Criteria: Invitae Variant Classification Sherloc (09022015). Collection method: clinical testing. Allele origin: germline.
Comment: This sequence change replaces threonine, which is neutral and polar, with alanine, which is neutral and non-polar, at codon 132 of the CYBA protein (p.Thr132Ala). This variant is not present in population databases (gnomAD no frequency). This variant has not been reported in the literature in individuals affected with CYBA-related conditions. An algorithm developed to predict the effect of missense changes on protein structure and function (PolyPhen-2) suggests that this variant is likely to be tolerated. In summary, the available evidence is currently insufficient to determine the role of this variant in disease. Therefore, it has been classified as a Variant of Uncertain Significance.